The following is an entry in ClinVar:

NM_001025295.3(IFITM5):c.80G>C (p.Gly27Ala)

Gene: IFITM5 (interferon induced transmembrane protein 5; minus strand). Cytogenetic location: 11p15.5.
Variant type: single nucleotide variant.
Coding change: c.80G>C on transcript NM_001025295.3 (MANE Select); coding-DNA position 80, G replaced by C.
Protein change: p.Gly27Ala; replaces glycine 27 with alanine.
Molecular consequence: missense variant.
Genome position (GRCh38, 1-based): chr11:299,411, C>G on the plus strand (G>C on the coding strand, the complement: IFITM5 is on the minus strand). VCF-style: chr11-299411-C-G. GRCh37 (hg19) VCF-style: chr11-299411-C-G.
Other names: short protein forms G27A.
Identifiers: ClinVar variation 193131 (VCV000193131.20), dbSNP rs57285449, ClinGen allele CA200342.
Genomic context (GRCh38, chr11:299,411, plus strand): 5'-AGGTAGAGGGTGCTGAACACCGACCAGATCAAGTGGTCTCGAGGCGGGGGGTGCGGGGCC[C>G]CCAGTGTGAGGGCTGTGTGGGCACCGGCCTTGCTGGGCGTGGGGGCCCGGGTGTCCTCGC-3'
Protein context (NP_001020466.1, residues 17-37): KAGAHTALTL[Gly27Ala]APHPPPRDHL

ClinVar aggregate classification (germline): Benign. Review status: criteria provided, multiple submitters, no conflicts (2 of 4 stars). 11 submissions from 11 submitters: Benign (9). 2 of the submissions do not count toward it. Last evaluated 2026-02-04.

Conditions:
Osteogenesis imperfecta type 5 (OI5). Also called: OI type 5; Type V OI; OSTEOGENESIS IMPERFECTA, TYPE V. Identifiers: Orphanet 216828, MedGen C2931093, MONDO:0012591, OMIM 610967.

Allele frequency attached by ClinVar (database versions not stated): ESP Exome Variant Server 0.38807; gnomAD 0.43349; TOPMed 0.47244; 1000 Genomes Project 0.59265; 1000 Genomes Project 30x 0.59838.

Submissions (11):

Labcorp Genetics (formerly Invitae), Labcorp
Classification: Benign. Last evaluated: 2026-02-04. Review status: criteria provided, single submitter. Criteria: Invitae Variant Classification Sherloc (09022015). Collection method: clinical testing. Allele origin: germline.

Blueprint Genetics
Classification: Benign. Last evaluated: 2024-11-27. Review status: criteria provided, single submitter. Criteria: ACMG Guidelines, 2015. Collection method: clinical testing. Allele origin: germline.

Mayo Clinic Laboratories, Mayo Clinic
Classification: Benign. Last evaluated: 2022-04-26. Review status: criteria provided, single submitter. Criteria: ACMG Guidelines, 2015. Collection method: clinical testing. Allele origin: germline. Observed: 70 variant alleles.

Genome-Nilou Lab
Classification: Benign for Osteogenesis imperfecta type 5. Last evaluated: 2021-07-14. Review status: criteria provided, single submitter. Criteria: ACMG Guidelines, 2015. Collection method: clinical testing. Allele origin: germline. Affected: no.

Mendelics
Classification: Benign for Osteogenesis imperfecta type 5. Last evaluated: 2019-05-28. Review status: criteria provided, single submitter. Criteria: Mendelics Assertion Criteria 2017. Collection method: clinical testing. Allele origin: unknown.

GeneDx
Classification: Benign. Last evaluated: 2017-07-30. Review status: criteria provided, single submitter. Criteria: GeneDx Variant Classification (06012015). Collection method: clinical testing. Allele origin: germline. Affected: yes.
Comment: This variant is considered likely benign or benign based on one or more of the following criteria: it is a conservative change, it occurs at a poorly conserved position in the protein, it is predicted to be benign by multiple in silico algorithms, and/or has population frequency not consistent with disease.

Eurofins Ntd Llc (ga)
Classification: Benign. Last evaluated: 2015-03-25. Review status: criteria provided, single submitter. Criteria: EGL Classification Definitions 2015. Collection method: clinical testing. Allele origin: germline. Observed: 2 variant alleles, 1 heterozygote, 1 homozygote.

Breakthrough Genomics
Classification: Benign. Review status: criteria provided, single submitter. Criteria: ACMG Guidelines, 2015. Collection method: not provided. Allele origin: germline. Inheritance: Autosomal dominant inheritance. Affected: yes.

PreventionGenetics, part of Exact Sciences
Classification: Benign. Review status: criteria provided, single submitter. Criteria: ACMG Guidelines, 2015. Collection method: clinical testing. Allele origin: germline.

Genome Diagnostics Laboratory, Amsterdam University Medical Center
Classification: Benign for Osteogenesis imperfecta type 5. Last evaluated: 2015-02-25. Review status: no assertion criteria provided. Criteria: ACGS Guidelines, 2013. Collection method: clinical testing. Allele origin: germline. Affected: yes. Study: VKGL Data-share Consensus. Not counted in ClinVar's aggregate classification.

Diagnostic Laboratory, Department of Genetics, University Medical Center Groningen
Classification: Benign for Osteogenesis imperfecta type 5. Review status: no assertion criteria provided. Collection method: clinical testing. Allele origin: germline. Affected: yes. Study: VKGL Data-share Consensus. Not counted in ClinVar's aggregate classification.